The following is an entry in ClinVar:

NM_002907.4(RECQL):c.959_960del (p.Tyr320fs)

Gene: RECQL (RecQ like helicase; minus strand). Cytogenetic location: 12p12.1.
Variant type: Microsatellite.
Coding change: c.959_960del on transcript NM_002907.4 (MANE Select); coding-DNA positions 959 to 960, 2 bases deleted (AT; older notation c.959_960delAT).
Protein change: p.Tyr320fs; shifts the reading frame from tyrosine 320.
Molecular consequence: frameshift variant.
Genome position (GRCh38, 1-based): chr12:21,475,814-21,475,815, AT deleted on the plus strand (AT on the coding strand, the reverse complement: RECQL is on the minus strand); deleting any 2 consecutive bases within chr12:21,475,814-21,475,819 gives the same sequence; the c. name uses the placement nearest the transcript's 3' end. VCF-style (leftmost placement, unchanged base first): chr12-21475813-AAT-A. GRCh37 (hg19) VCF-style: chr12-21628747-AAT-A.
Other names: c.959_960del, p.Tyr320fs (NM_032941.3); short protein forms Y320fs.
Identifiers: ClinVar variation 1767480 (VCV001767480.3), dbSNP rs1943076316, ClinGen allele CA2021149277.

ClinVar aggregate classification (germline): Uncertain significance (1 of 4 stars; one submission).

Submission:

Ambry Genetics
Classification: Uncertain significance. Last evaluated: 2024-08-16. Review status: criteria provided, single submitter. Criteria: Ambry Variant Classification Scheme 2023. Collection method: clinical testing. Allele origin: germline.
Comment: The c.959_960delAT variant, located in coding exon 8 of the RECQL gene, results from a deletion of two nucleotides at nucleotide positions 959 to 960, causing a translational frameshift with a predicted alternate stop codon (p.Y320Lfs*8). This alteration is expected to result in premature protein truncation or nonsense-mediated mRNA decay. The evidence for this gene-disease relationship is limited; therefore, the clinical significance of this alteration is unclear.